The following is an entry in ClinVar:

NM_000548.5(TSC2):c.1938C>G (p.Cys646Trp)

Gene: TSC2 (TSC complex subunit 2; plus strand). Cytogenetic location: 16p13.3.
Variant type: single nucleotide variant.
Coding change: c.1938C>G on transcript NM_000548.5 (MANE Select); coding-DNA position 1938, C replaced by G.
Protein change: p.Cys646Trp; replaces cysteine 646 with tryptophan.
Molecular consequence: missense variant. On other transcripts: non-coding transcript variant (5).
Genome position (GRCh38, 1-based): chr16:2,071,608, C>G. VCF-style: chr16-2071608-C-G. GRCh37 (hg19) VCF-style: chr16-2121609-C-G.
Other names: c.1938C>G, p.Cys646Trp (NM_001077183.3, NM_001114382.3, NM_001363528.2 and 6 more transcripts); c.1827C>G, p.Cys609Trp (NM_001318827.2, NM_001406678.1, NM_001406670.1); c.1791C>G, p.Cys597Trp (NM_001318829.2, NM_001406675.1, NM_001406676.1 and 1 more transcripts); c.1338C>G, p.Cys446Trp (NM_001318831.2, NM_001406680.1, NM_001406682.1 and 6 more transcripts); c.1971C>G, p.Cys657Trp (NM_001318832.2); c.1881C>G, p.Cys627Trp (NM_001406677.1); c.1476C>G, p.Cys492Trp (NM_001406681.1); c.594C>G, p.Cys198Trp (NM_001406694.1, NM_001406695.1, NM_001406696.1 and 6 more transcripts); and 3 more; short protein forms C609W, C676W, C446W, C627W, C642W, C646W, C657W, C492W.
Identifiers: ClinVar variation 3329494 (VCV003329494.1).

ClinVar aggregate classification (germline): Uncertain significance (1 of 4 stars; one submission).

Conditions:
Hereditary cancer-predisposing syndrome. Also called: Neoplastic Syndromes, Hereditary; Tumor predisposition; Hereditary neoplastic syndrome; Hereditary Cancer Syndrome. Identifiers: Orphanet 140162, MedGen C0027672, MeSH D009386, MONDO:0015356.

Submission:

Ambry Genetics
Classification: Uncertain significance for Hereditary cancer-predisposing syndrome. Last evaluated: 2024-04-05. Review status: criteria provided, single submitter. Criteria: Ambry Variant Classification Scheme 2023. Collection method: clinical testing. Allele origin: germline.
Comment: The p.C646W variant (also known as c.1938C>G), located in coding exon 17 of the TSC2 gene, results from a C to G substitution at nucleotide position 1938. The cysteine at codon 646 is replaced by tryptophan, an amino acid with highly dissimilar properties. This amino acid position is conserved. In addition, this alteration is predicted to be deleterious by in silico analysis. Based on the available evidence, the clinical significance of this variant remains unclear.